The following is an entry in ClinVar:

ClinVar aggregate classification (germline): Likely benign. Review status: criteria provided, single submitter (1 of 4 stars). 2 submissions from 2 submitters: Likely benign (1). 1 of the submissions does not count toward it. Last evaluated 2025-08-30.

Conditions:
BCL11B-related disorder. Also called: BCL11B-Related Disorders.

Allele frequency attached by ClinVar (database versions not stated): 1000 Genomes Project 30x 0.00016; gnomAD 0.00003; TOPMed 0.00003; ExAC 0.00004.
gnomAD v4.1: 18 of 1,561,116 alleles (0.0012%); highest among the groups gnomAD compares: East Asian, 0.026%; no homozygotes.

Submissions (2):

Labcorp Genetics (formerly Invitae), Labcorp
Classification: Likely benign. Last evaluated: 2025-08-30. Review status: criteria provided, single submitter. Criteria: Invitae Variant Classification Sherloc (09022015). Collection method: clinical testing. Allele origin: germline.

PreventionGenetics, part of Exact Sciences
Classification: Likely benign for BCL11B-related condition. Last evaluated: 2019-12-16. Review status: no assertion criteria provided. Collection method: clinical testing. Allele origin: germline. Not counted in ClinVar's aggregate classification.
Comment: This variant is classified as likely benign based on ACMG/AMP sequence variant interpretation guidelines (Richards et al. 2015 PMID: 25741868, with internal and published modifications).

NM_138576.4(BCL11B):c.1206G>A (p.Pro402=)

Gene: BCL11B (BCL11 transcription factor B; minus strand). Cytogenetic location: 14q32.2.
Variant type: single nucleotide variant.
Coding change: c.1206G>A on transcript NM_138576.4 (MANE Select); coding-DNA position 1206, G replaced by A.
Protein change: p.Pro402=; no amino-acid change (proline 402 retained).
Molecular consequence: synonymous variant.
Genome position (GRCh38, 1-based): chr14:99,175,630, C>T on the plus strand (G>A on the coding strand, the complement: BCL11B is on the minus strand). VCF-style: chr14-99175630-C-T. GRCh37 (hg19) VCF-style: chr14-99641967-C-T.
Other names: c.993G>A (NM_022898.2); c.1203G>A, p.Pro401= (NM_001282237.2); c.990G>A, p.Pro330= (NM_001282238.2); c.993G>A, p.Pro331= (NM_022898.3).
Identifiers: ClinVar variation 2974074 (VCV002974074.4), dbSNP rs748837067, ClinGen allele CA7339718.